The following is an entry in ClinVar:

NM_000092.5(COL4A4):c.4684del (p.Tyr1562fs)

Gene: COL4A4 (collagen type IV alpha 4 chain; minus strand). Cytogenetic location: 2q36.3.
Variant type: Deletion.
Coding change: c.4684del on transcript NM_000092.5 (MANE Select); coding-DNA position 4684, one base deleted (T; older notation c.4684delT).
Protein change: p.Tyr1562fs; shifts the reading frame from tyrosine 1562.
Molecular consequence: frameshift variant.
Genome position (GRCh38, 1-based): chr2:227,008,143, A deleted on the plus strand (T on the coding strand, the reverse complement: COL4A4 is on the minus strand). VCF-style (leftmost placement, unchanged base first): chr2-227008142-TA-T. GRCh37 (hg19) VCF-style: chr2-227872858-TA-T.
Other names: c.4684delT (NM_000092.4); short protein forms Y1562fs.
Identifiers: ClinVar variation 992428 (VCV000992428.12), dbSNP rs1962591629, ClinGen allele CA915940921.
Genomic context (GRCh38, chr2:227,008,142, plus strand): 5'-TCCTGGCTGTGCACCGCCACCGCCTGGGCCGGGGCCTCGCATACCGCACAGCGGCTGACA[TA>T]GGGGCGGATCGCCTCTTCAGAGAGTGGCATCATGGGGAGGGGCGCAGCGCTGGCCAGCCA-3'

ClinVar aggregate classification (germline): Pathogenic/Likely pathogenic. Review status: criteria provided, multiple submitters, no conflicts (2 of 4 stars). 6 submissions from 6 submitters: Pathogenic (3); Likely pathogenic (2). 1 of the submissions does not count toward it. Last evaluated 2025-05-21.

Conditions:
Microscopic hematuria. Also called: Microhematuria. Identifiers: MedGen C0239937, HP:0002907.
Autosomal recessive Alport syndrome (ATS2). Also called: Alport syndrome type 2; COL4A4 Alport Syndrome and Thin Basement Membrane Nephropathy; ALPORT SYNDROME 2, AUTOSOMAL RECESSIVE; COL4A3-Related Nephropathy. Identifiers: Orphanet 63, Orphanet 88919, MedGen C4746745, MONDO:0008762, OMIM 203780.
Hematuria, benign familial, 1 (BFH1). Also called: THIN MEMBRANE NEPHROPATHY. Identifiers: MedGen CN376803, MONDO:0007709, OMIM 141200.
Alport syndrome. Also called: Hemorrhagic familial nephritis; Hemorrhagic hereditary nephritis; Congenital hereditary hematuria. Identifiers: Orphanet 63, MedGen C1567741, MONDO:0018965.

Allele frequency attached by ClinVar (database versions not stated): gnomAD exomes below 0.00001.

Submissions (6):

Natera, Inc.
Classification: Likely pathogenic for Alport syndrome. Last evaluated: 2025-05-21. Review status: criteria provided, single submitter. Criteria: Natera Variant Classification Schema (03/2026). Collection method: clinical testing. Allele origin: germline.
Comment: The c.4684del variant in COL4A4 is a frameshift variant predicted to shift the reading frame beginning at codon 1562 and leads to a stop codon 41 codons downstream. This variant is expected to result in nonsense mediated decay, truncation, or a dysfunctional protein product. This variant is rare in the general population with a frequency below the threshold expected for the associated phenotype(s). Given the available evidence, this variant is classified as Likely Pathogenic.

Fulgent Genetics
Classification: Pathogenic for Hematuria, benign familial, 1; Autosomal recessive Alport syndrome. Last evaluated: 2024-02-21. Review status: criteria provided, single submitter. Criteria: ACMG Guidelines, 2015. Collection method: clinical testing. Allele origin: germline.

Victorian Clinical Genetics Services, Murdoch Childrens Research Institute
Classification: Pathogenic for Alport syndrome. Last evaluated: 2023-07-17. Review status: criteria provided, single submitter. Criteria: ACMG Guidelines, 2015. Collection method: clinical testing. Allele origin: germline. Affected: yes.
Comment: Based on the classification scheme VCGS_Germline_v1.3.4, this variant is classified as Pathogenic. Following criteria are met: 0103 - Loss of function is a known mechanism of disease for this gene and is associated with Alport syndrome. Dominant negative is a suspected mechanism of disease for this gene as it is a structural protein (PMIDs: 12028435, 24046192). (I) 0108 - This gene is associated with both recessive and dominant disease. Alport syndrome typically has biallelic inheritance, although rare cases of monoallelic inheritance have been reported (PMID: 28704582). Thin basement membrane nephropathy (TBMN) and focal segmental glomerulosclerosis (FSGS) are associated with autosomal dominant inheritance (OMIM, PMIDs: 16467446, 17942953). (I) 0205 - Variant is predicted to result in a truncated protein (premature termination codon is NOT located at least 54 nucleotides upstream of the final exon-exon junction) with less than 1/3 of the protein sequence affected. (SP) 0251 - This variant is heterozygous. (I) 0301 - Variant is absent from gnomAD (both v2 and v3). (SP) 0600 - Variant results in the loss of part of the annotated C4 domain (DECIPHER). (I) 0701 - Other variants resulting in a truncated protein comparable to the one identified in this case have very strong previous evidence for pathogenicity (ClinVar). (SP) 0802 - This variant has moderate previous evidence of pathogenicity in unrelated individuals. This variant has been classified as pathogenic and likely pathogenic by two clinical laboratories in ClinVar, and reported as homozygous in a patient with Alport syndrome (PMID: 35478268). (SP) 0905 - No published segregation evidence has been identified for this variant. (I) 1007 - No published functional evidence has been identified for this variant. (I) 1208 - Inheritance information for this variant is not currently available in this individual. (I) Legend: (SP) - Supporting pathogenic, (I) - Information, (SB) - Supporting benign

Labcorp Genetics (formerly Invitae), Labcorp
Classification: Pathogenic. Last evaluated: 2023-04-08. Review status: criteria provided, single submitter. Criteria: Invitae Variant Classification Sherloc (09022015). Collection method: clinical testing. Allele origin: germline.
Comment: This variant is not present in population databases (gnomAD no frequency). For these reasons, this variant has been classified as Pathogenic. This variant disrupts a region of the COL4A4 protein in which other variant(s) (p.Arg1682Glyfs*6) have been determined to be pathogenic (Invitae). This suggests that this is a clinically significant region of the protein, and that variants that disrupt it are likely to be disease-causing. ClinVar contains an entry for this variant (Variation ID: 992428). This premature translational stop signal has been observed in individual(s) with clinical features of COL4A4-related conditions (PMID: 31328266). This sequence change creates a premature translational stop signal (p.Tyr1562Metfs*41) in the COL4A4 gene. While this is not anticipated to result in nonsense mediated decay, it is expected to disrupt the last 129 amino acid(s) of the COL4A4 protein.

Molecular Genetics McLendon Clinical Laboratories, University of North Carolina at Chapel Hill
Classification: Likely pathogenic for Microscopic hematuria. Last evaluated: 2023-03-15. Review status: criteria provided, single submitter. Criteria: ACMG Guidelines, 2015. Collection method: clinical testing. Allele origin: germline.

Bioscientia Institut fuer Medizinische Diagnostik GmbH, Sonic Healthcare
Classification: Pathogenic for Autosomal recessive Alport syndrome. Last evaluated: 2020-02-07. Review status: no assertion criteria provided. Collection method: clinical testing. Allele origin: germline. Affected: yes. Not counted in ClinVar's aggregate classification.

Literature cited by the submitters: PubMed 12028435 (cited by Victorian Clinical Genetics Services, Murdoch Childrens Research Institute); PubMed 16467446 (cited by Victorian Clinical Genetics Services, Murdoch Childrens Research Institute); PubMed 17942953 (cited by Victorian Clinical Genetics Services, Murdoch Childrens Research Institute); PubMed 24046192 (cited by Victorian Clinical Genetics Services, Murdoch Childrens Research Institute); PubMed 28704582 (cited by Victorian Clinical Genetics Services, Murdoch Childrens Research Institute); PubMed 35478268 (cited by Victorian Clinical Genetics Services, Murdoch Childrens Research Institute); PubMed 31328266 (cited by Labcorp Genetics (formerly Invitae), Labcorp).